The following is an entry in ClinVar:

ClinVar aggregate classification (germline): Uncertain significance (1 of 4 stars; one submission).

Conditions:
Agammaglobulinemia 4, autosomal recessive (AGM4). Also called: AGAMMAGLOBULINEMIA, AUTOSOMAL RECESSIVE, DUE TO BLNK DEFECT; B cell linker protein deficiency. Identifiers: MedGen C3150752, MONDO:0013289, OMIM 613502.

Submission:

Labcorp Genetics (formerly Invitae), Labcorp
Classification: Uncertain significance for Agammaglobulinemia 4, autosomal recessive. Last evaluated: 2022-07-02. Review status: criteria provided, single submitter. Criteria: Invitae Variant Classification Sherloc (09022015). Collection method: clinical testing. Allele origin: germline.
Comment: This variant has not been reported in the literature in individuals affected with BLNK-related conditions. In summary, the available evidence is currently insufficient to determine the role of this variant in disease. Therefore, it has been classified as a Variant of Uncertain Significance. This variant is not present in population databases (gnomAD no frequency). This sequence change disrupts the translational stop signal of the BLNK mRNA. It is expected to extend the length of the BLNK protein by 32 additional amino acid residues.

NM_013314.4(BLNK):c.1369T>C (p.Ter457Gln)

Genes: BLNK (B cell linker; minus strand), ZNF518A (zinc finger protein 518A; plus strand). Cytogenetic location: 10q24.1.
Variant type: single nucleotide variant.
Coding change: c.1369T>C on transcript NM_013314.4 (MANE Select); coding-DNA position 1369, T replaced by C.
Protein change: p.Ter457Gln.
Molecular consequence: stop lost. On other transcripts: non-coding transcript variant (4).
Genome position (GRCh38, 1-based): chr10:96,191,975, A>G on the plus strand (T>C on the coding strand, the complement: BLNK is on the minus strand). VCF-style: chr10-96191975-A-G. GRCh37 (hg19) VCF-style: chr10-97951731-A-G.
Other names: c.1300T>C, p.Ter434Gln (NM_001114094.2); c.1213T>C, p.Ter405Gln (NM_001258440.2); c.1144T>C, p.Ter382Gln (NM_001258441.2); c.898T>C, p.Ter300Gln (NM_001258442.2).
Identifiers: ClinVar variation 1963819 (VCV001963819.5), dbSNP rs1554893528, ClinGen allele CA377714884.
Genomic context (GRCh38, chr10:96,191,975, plus strand): 5'-AAAGGAGAAACTTTGGGAAAGTGTCTGAAGCAATGGTATTGATCTTTTTTTTCCCCCTTT[A>G]TGAAACTTTAACTGCATACTTCAGTCTGGTGGAATCTTTTGTGTTATTCTGACTGTCAAT-3'